The following is an entry in ClinVar:

NM_002691.4(POLD1):c.191G>A (p.Gly64Glu)

Gene: POLD1 (DNA polymerase delta 1, catalytic subunit; plus strand). Cytogenetic location: 19q13.33.
Variant type: single nucleotide variant.
Coding change: c.191G>A on transcript NM_002691.4 (MANE Select); coding-DNA position 191, G replaced by A.
Protein change: p.Gly64Glu; replaces glycine 64 with glutamic acid.
Molecular consequence: missense variant. On other transcripts: non-coding transcript variant (1).
Genome position (GRCh38, 1-based): chr19:50,399,042, G>A. VCF-style: chr19-50399042-G-A. GRCh37 (hg19) VCF-style: chr19-50902299-G-A.
Other names: c.191G>A, p.Gly64Glu (NM_001256849.1, NM_001308632.1, NM_001438210.1 and 3 more transcripts); short protein forms G64E.
Identifiers: ClinVar variation 4862188 (VCV004862188.1).

ClinVar aggregate classification (germline): Uncertain significance (1 of 4 stars; one submission).

Conditions:
Hereditary cancer-predisposing syndrome. Also called: Neoplastic Syndromes, Hereditary; Tumor predisposition; Hereditary Cancer Syndrome; Hereditary neoplastic syndrome. Identifiers: Orphanet 140162, MedGen C0027672, MeSH D009386, MONDO:0015356.

gnomAD v4.1: 1 of 1,553,982 alleles (0.000064%); highest among the groups gnomAD compares: Non-Finnish European, 0.000087%; no homozygotes.

Submission:

Ambry Genetics
Classification: Uncertain significance for Hereditary cancer-predisposing syndrome. Last evaluated: 2026-04-28. Review status: criteria provided, single submitter. Criteria: Ambry Variant Classification Scheme 2023. Collection method: clinical testing. Allele origin: germline.
Comment: The p.G64E variant (also known as c.191G>A), located in coding exon 1 of the POLD1 gene, results from a G to A substitution at nucleotide position 191. The glycine at codon 64 is replaced by glutamic acid, an amino acid with similar properties. This amino acid position is conserved. In addition, this alteration is predicted to be tolerated by in silico analysis. Based on the available evidence, the clinical significance of this variant remains unclear.